The following is an entry in ClinVar:

ClinVar aggregate classification (germline): Likely pathogenic. Review status: criteria provided, single submitter (1 of 4 stars). 2 submissions from 2 submitters: Likely pathogenic (1). 1 of the submissions does not count toward it. Last evaluated 2026-01-22.

Conditions:
MARFAN SYNDROME, SEVERE CLASSIC. Identifiers: MedGen C4016052.

Submissions (2):

GeneDx
Classification: Likely pathogenic. Last evaluated: 2026-01-22. Review status: criteria provided, single submitter. Criteria: GeneDx Variant Classification Process June 2021. Collection method: clinical testing. Allele origin: germline.
Comment: Not observed at significant frequency in large population cohorts (gnomAD); Does not affect a cysteine or calcium-binding residue within an EGF-like domain or a TGF-binding protein domain of the FBN1 gene; cysteine substitutions in the EGF-like domains represent the majority of pathogenic missense changes associated with FBN1-related disorders (PMID: 12938084); In silico analysis supports that this missense variant has a deleterious effect on protein structure/function; This variant is associated with the following publications: (PMID: 8281141, 1852208, 12938084)

OMIM
Classification: Pathogenic for MARFAN SYNDROME, SEVERE CLASSIC. Last evaluated: 1994-10-01. Review status: no assertion criteria provided. Collection method: literature only. Allele origin: germline. Not counted in ClinVar's aggregate classification.

Literature cited by the submitters: PubMed 7842017 (cited by OMIM); PubMed 8281141 (cited by OMIM).

NM_000138.5(FBN1):c.3410G>C (p.Arg1137Pro)

Gene: FBN1 (fibrillin 1; minus strand). Cytogenetic location: 15q21.1.
Variant type: single nucleotide variant.
Coding change: c.3410G>C on transcript NM_000138.5 (MANE Select); coding-DNA position 3410, G replaced by C.
Protein change: p.Arg1137Pro; replaces arginine 1137 with proline.
Molecular consequence: missense variant.
Genome position (GRCh38, 1-based): chr15:48,487,365, C>G on the plus strand (G>C on the coding strand, the complement: FBN1 is on the minus strand). VCF-style: chr15-48487365-C-G. GRCh37 (hg19) VCF-style: chr15-48779562-C-G.
Other names: c.3410G>C (NM_000138.4); short protein forms R1137P.
Identifiers: ClinVar variation 16421 (VCV000016421.3), dbSNP rs137854456, ClinGen allele CA014076.